The following is an entry in ClinVar:

ClinVar aggregate classification (germline): Pathogenic (1 of 4 stars; one submission).

Conditions:
3-methylcrotonyl-CoA carboxylase 1 deficiency (MCC1D). Also called: MCCD TYPE 1; METHYLCROTONYLGLYCINURIA TYPE I; MCC 1 deficiency; 3 Alpha methylcrotonylglycinuria 1. Identifiers: Orphanet 6, MedGen CN028786, MONDO:0008861, OMIM 210200.

Submission:

Labcorp Genetics (formerly Invitae), Labcorp
Classification: Pathogenic for 3-methylcrotonyl-CoA carboxylase 1 deficiency. Last evaluated: 2021-09-24. Review status: criteria provided, single submitter. Criteria: Invitae Variant Classification Sherloc (09022015). Collection method: clinical testing. Allele origin: germline.
Comment: For these reasons, this variant has been classified as Pathogenic. This premature translational stop signal has been observed in individual(s) with a positive newborn screening result for MCCC1-related disease although a second variant was not observed (PMID: 22264772). This variant is not present in population databases (ExAC no frequency). This sequence change creates a premature translational stop signal (p.Gln445*) in the MCCC1 gene. It is expected to result in an absent or disrupted protein product. Loss-of-function variants in MCCC1 are known to be pathogenic (PMID: 11181649, 15359379, 22642865).

Literature cited by the submitters: PubMed 22264772; PubMed 11181649; PubMed 15359379; PubMed 22642865.

NM_020166.5(MCCC1):c.1333C>T (p.Gln445Ter)

Gene: MCCC1 (methylcrotonyl-CoA carboxylase subunit 1; minus strand). Cytogenetic location: 3q27.1.
Variant type: single nucleotide variant.
Coding change: c.1333C>T on transcript NM_020166.5 (MANE Select); coding-DNA position 1333, C replaced by T.
Protein change: p.Gln445Ter; replaces glutamine 445 with a stop codon.
Molecular consequence: nonsense. On other transcripts: non-coding transcript variant (2).
Genome position (GRCh38, 1-based): chr3:183,039,070, G>A on the plus strand (C>T on the coding strand, the complement: MCCC1 is on the minus strand). VCF-style: chr3-183039070-G-A. GRCh37 (hg19) VCF-style: chr3-182756858-G-A.
Other names: c.982C>T, p.Gln328Ter (NM_001293273.2); c.1006C>T, p.Gln336Ter (NM_001363880.1); short protein forms Q336*, Q328*, Q445*.
Identifiers: ClinVar variation 1458732 (VCV001458732.6), dbSNP rs1453886049, ClinGen allele CA355321915.